The following is an entry in ClinVar:

NM_012210.4(TRIM32):c.1326T>A (p.Ile442=)

Genes: ASTN2 (astrotactin 2; minus strand), TRIM32 (tripartite motif containing 32; plus strand). Cytogenetic location: 9q33.1.
Variant type: single nucleotide variant.
Coding change: c.1326T>A on transcript NM_012210.4 (MANE Select); coding-DNA position 1326, T replaced by A.
Protein change: p.Ile442=; no amino-acid change (isoleucine 442 retained).
Molecular consequence: synonymous variant. On other transcripts: intron variant (3).
Genome position (GRCh38, 1-based): chr9:116,699,068, T>A. VCF-style: chr9-116699068-T-A. GRCh37 (hg19) VCF-style: chr9-119461347-T-A.
Other names: c.1326T>A, p.Ile442= (NM_001099679.2, NM_001379048.1, NM_001379049.1 and 1 more transcripts); c.2653+26703A>T (NM_014010.5); c.2794+26703A>T (NM_001365069.1); c.2806+26703A>T (NM_001365068.1).
Identifiers: ClinVar variation 531840 (VCV000531840.15), dbSNP rs1372713940, ClinGen allele CA466917010.

ClinVar aggregate classification (germline): Conflicting classifications of pathogenicity. Review status: criteria provided, conflicting classifications (1 of 4 stars). 4 submissions from 4 submitters: Uncertain significance (1); Likely benign (2). 1 of the submissions does not count toward it. Last evaluated 2025-10-03.

Conditions:
TRIM32-related disorder. Also called: TRIM32-related condition.
Bardet-Biedl syndrome (BBS). Identifiers: Orphanet 110, MedGen C0752166, MONDO:0015229.

Allele frequency attached by ClinVar (database versions not stated): TOPMed below 0.00001; gnomAD 0.00001.
gnomAD v4.1: 7 of 1,614,020 alleles (0.00043%); highest among the groups gnomAD compares: Admixed American, 0.005%; no homozygotes.

Submissions (4):

Labcorp Genetics (formerly Invitae), Labcorp
Classification: Likely benign for Bardet-Biedl syndrome. Last evaluated: 2025-10-03. Review status: criteria provided, single submitter. Criteria: Invitae Variant Classification Sherloc (09022015). Collection method: clinical testing. Allele origin: germline.

Blueprint Genetics
Classification: Likely benign. Last evaluated: 2022-03-31. Review status: criteria provided, single submitter. Criteria: ACMG Guidelines, 2015. Collection method: clinical testing. Allele origin: germline.

Eurofins Ntd Llc (ga)
Classification: Uncertain significance. Last evaluated: 2018-06-29. Review status: criteria provided, single submitter. Criteria: EGL ClinVar v180209 classification definitions. Collection method: clinical testing. Allele origin: germline. Observed: 1 variant allele, 1 heterozygote.

PreventionGenetics, part of Exact Sciences
Classification: Likely benign for TRIM32-related condition. Last evaluated: 2023-11-21. Review status: no assertion criteria provided. Collection method: clinical testing. Allele origin: germline. Not counted in ClinVar's aggregate classification.
Comment: This variant is classified as likely benign based on ACMG/AMP sequence variant interpretation guidelines (Richards et al. 2015 PMID: 25741868, with internal and published modifications).